The following is an entry in ClinVar:

NM_006915.3(RP2):c.58G>T (p.Glu20Ter)

Genes: RP2 (RP2 activator of ARL3 GTPase; plus strand), LOC130068202 (ATAC-STARR-seq lymphoblastoid active region 29577; plus strand). Cytogenetic location: Xp11.3.
Variant type: single nucleotide variant.
Coding change: c.58G>T on transcript NM_006915.3 (MANE Select); coding-DNA position 58, G replaced by T.
Protein change: p.Glu20Ter; replaces glutamic acid 20 with a stop codon.
Molecular consequence: nonsense.
Genome position (GRCh38, 1-based): chrX:46,837,158, G>T. VCF-style: chrX-46837158-G-T. GRCh37 (hg19) VCF-style: chrX-46696593-G-T.
Other names: short protein forms E20*.
Identifiers: ClinVar variation 1070512 (VCV001070512.10), dbSNP rs1924523272, ClinGen allele CA413038259.
Genomic context (GRCh38, chrX:46,837,158, plus strand): 5'-ACCATGGGCTGCTTCTTCTCCAAGAGACGGAAGGCTGACAAGGAGTCGCGGCCCGAGAAC[G>T]AGGAGGAGCGGCCAAAGCAGTACAGCTGGGATCAGCGCGAGAAGGTAATGAAAGTCGTGT-3'

ClinVar aggregate classification (germline): Pathogenic. Review status: criteria provided, multiple submitters, no conflicts (2 of 4 stars). 2 submissions from 2 submitters: Pathogenic (2). Last evaluated 2025-07-04.

Conditions:
Retinitis pigmentosa 2 (RP2). Also called: Retinitis pigmentosa 2, X linked. Identifiers: Orphanet 791, MedGen C2681923, MONDO:0010723, OMIM 312600.

Allele frequency attached by ClinVar (database versions not stated): gnomAD exomes below 0.00001.
gnomAD v4.1: 1 of 1,171,411 alleles (0.000085%); highest among the groups gnomAD compares: Non-Finnish European, 0.00011%; no homozygotes.

Submissions (2):

Institute of Medical Genetics and Applied Genomics, University Hospital Tübingen
Classification: Pathogenic for Retinitis pigmentosa 2. Last evaluated: 2025-07-04. Review status: criteria provided, single submitter. Criteria: ACMG Guidelines, 2015. Collection method: clinical testing. Allele origin: germline. Inheritance: X-linked recessive inheritance. Affected: yes.

Labcorp Genetics (formerly Invitae), Labcorp
Classification: Pathogenic. Last evaluated: 2024-10-23. Review status: criteria provided, single submitter. Criteria: Invitae Variant Classification Sherloc (09022015). Collection method: clinical testing. Allele origin: germline.
Comment: This sequence change creates a premature translational stop signal (p.Glu20*) in the RP2 gene. It is expected to result in an absent or disrupted protein product. Loss-of-function variants in RP2 are known to be pathogenic (PMID: 11992260, 20625056). This variant is not present in population databases (gnomAD no frequency). This premature translational stop signal has been observed in individual(s) with retinitis pigmentosa (PMID: 23484092). ClinVar contains an entry for this variant (Variation ID: 1070512). For these reasons, this variant has been classified as Pathogenic.

Literature cited by the submitters: PubMed 11992260 (cited by Labcorp Genetics (formerly Invitae), Labcorp); PubMed 20625056 (cited by Labcorp Genetics (formerly Invitae), Labcorp); PubMed 23484092 (cited by Labcorp Genetics (formerly Invitae), Labcorp).